The following is an entry in ClinVar:

NM_015178.3(RHOBTB2):c.1774_1777dup (p.Tyr593fs)

Gene: RHOBTB2 (Rho related BTB domain containing 2; plus strand). Cytogenetic location: 8p21.3.
Variant type: Duplication.
Coding change: c.1774_1777dup on transcript NM_015178.3 (MANE Select); coding-DNA positions 1774 to 1777, 4 bases duplicated (CAGT; older notation c.1774_1777dupCAGT).
Protein change: p.Tyr593fs; shifts the reading frame from tyrosine 593.
Molecular consequence: frameshift variant.
Genome position (GRCh38, 1-based): chr8:23,014,692-23,014,695, CAGT duplicated. VCF-style (leftmost placement, unchanged base first): chr8-23014691-G-GCAGT. GRCh37 (hg19) VCF-style: chr8-22872204-G-GCAGT.
Other names: c.1840_1843dup, p.Tyr615fs (NM_001160036.2); c.1795_1798dup, p.Tyr600fs (NM_001160037.2); c.1774_1777dup, p.Tyr593fs (NM_001374791.1); short protein forms Y593fs, Y600fs, Y615fs.
Identifiers: ClinVar variation 4813612 (VCV004813612.1).

ClinVar aggregate classification (germline): Uncertain significance (1 of 4 stars; one submission).

Conditions:
RHOBTB2-related neurodevelopmental disorder.

Submission:

Kasturba Medical College, Manipal, Kasturba Medical College, Manipal, Manipal Academy of Higher Education, Manipal, India
Classification: Uncertain significance for RHOBTB2-related neurodevelopmental disorder. Last evaluated: 2026-03-03. Review status: criteria provided, single submitter. Criteria: ACMG Guidelines, 2015. Collection method: research. Allele origin: unknown. Inheritance: Autosomal recessive inheritance. Affected: yes.
Comment: The variant is absent in homozygous and/or heterozygous state in gnomAD (v4.1.0) and in our in-house database of 3851 exomes. This frameshift duplication is predicted to lead to shift in reading frame introducing a premature stop codon which can either lead to nonsense mediated mRNA decay or formation of a truncated protein product. Monoallelic missense variants in the RHOBTB2 are known to be associated with developmental and epileptic encephalopathy 64 (MIM #618004), characterized by early-onset seizures and moderate to profound intellectual disability with poor or absent speech. Biallelic loss-of-functions variants in RHOBTB2 have recently been reported in 13 individuals from 9 unrelated families with variable neurodevelopmental phenotype including cognitive impairment ranging from learning difficulties to moderate ID, speech delay, seizures, mild developmental delay, often with unsteady gait or a movement disorder and microcephaly (Langhammer et al., 2023). The clinical features observed in the proband overlap with the autosomal recessive RHOBTB2-related neurodevelopmental disorder. Hence, the above-mentioned variant in homozygous state is the probable cause for the condition observed in the proband.

Literature cited by the submitters: PubMed 37165955.